The following is an entry in ClinVar:

ClinVar aggregate classification (germline): Benign (1 of 4 stars; one submission).

Allele frequency attached by ClinVar (database versions not stated): gnomAD exomes 0.00017; 1000 Genomes Project 30x 0.00031; 1000 Genomes Project 0.00040; ExAC 0.00040; ESP Exome Variant Server 0.00042; TOPMed 0.00043; gnomAD 0.00045.
gnomAD v4.1: 322 of 1,550,704 alleles (0.021%); highest among the groups gnomAD compares: Middle Eastern, 0.38%; 1 homozygote.

Submission:

CeGaT Center for Human Genetics Tuebingen
Classification: Benign. Last evaluated: 2023-07-01. Review status: criteria provided, single submitter. Criteria: CeGaT Center For Human Genetics Tuebingen Variant Classification Criteria Version 2. Collection method: clinical testing. Allele origin: germline. Affected: yes. Observed: 3 variant alleles.
Comment: SPTBN5: BS1, BS2

NM_016642.4(SPTBN5):c.4891-2A>G

Gene: SPTBN5 (spectrin beta, non-erythrocytic 5; minus strand). Cytogenetic location: 15q15.1.
Variant type: single nucleotide variant.
Coding change: c.4891-2A>G on transcript NM_016642.4 (MANE Select); the canonical splice acceptor site of the intron before coding-DNA position 4891, A replaced by G.
Molecular consequence: splice acceptor variant.
Genome position (GRCh38, 1-based): chr15:41,873,610, T>C on the plus strand (A>G on the coding strand, the complement: SPTBN5 is on the minus strand). VCF-style: chr15-41873610-T-C. GRCh37 (hg19) VCF-style: chr15-42165808-T-C.
Identifiers: ClinVar variation 2645222 (VCV002645222.24), dbSNP rs201755073, ClinGen allele CA7503102.